The following is an entry in ClinVar:

ClinVar aggregate classification (germline): Uncertain significance (1 of 4 stars; one submission).

Allele frequency attached by ClinVar (database versions not stated): gnomAD exomes below 0.00001.
gnomAD v4.1: 1 of 1,613,728 alleles (0.000062%); highest among the groups gnomAD compares: Non-Finnish European, 0.000085%; no homozygotes.

Submission:

Labcorp Genetics (formerly Invitae), Labcorp
Classification: Uncertain significance. Last evaluated: 2022-02-18. Review status: criteria provided, single submitter. Criteria: Invitae Variant Classification Sherloc (09022015). Collection method: clinical testing. Allele origin: germline.
Comment: In summary, the available evidence is currently insufficient to determine the role of this variant in disease. Therefore, it has been classified as a Variant of Uncertain Significance. Algorithms developed to predict the effect of missense changes on protein structure and function are either unavailable or do not agree on the potential impact of this missense change (SIFT: "Tolerated"; PolyPhen-2: "Probably Damaging"; Align-GVGD: "Class C0"). This variant has not been reported in the literature in individuals affected with LYRM4-related conditions. This variant is not present in population databases (gnomAD no frequency). This sequence change replaces glutamic acid, which is acidic and polar, with lysine, which is basic and polar, at codon 42 of the LYRM4 protein (p.Glu42Lys).

NM_020408.6(LYRM4):c.124G>A (p.Glu42Lys)

Genes: LYRM4 (LYR motif containing 4; minus strand), LYRM4-AS1 (LYRM4 antisense RNA 1; plus strand). Cytogenetic location: 6p25.1.
Variant type: single nucleotide variant.
Coding change: c.124G>A on transcript NM_020408.6 (MANE Select); coding-DNA position 124, G replaced by A.
Protein change: p.Glu42Lys; replaces glutamic acid 42 with lysine.
Molecular consequence: missense variant. On other transcripts: non-coding transcript variant (2).
Genome position (GRCh38, 1-based): chr6:5,216,701, C>T on the plus strand (G>A on the coding strand, the complement: LYRM4 is on the minus strand). VCF-style: chr6-5216701-C-T. GRCh37 (hg19) VCF-style: chr6-5216934-C-T.
Other names: c.124G>A, p.Glu42Lys (NM_001164840.3, NM_001164841.3, NM_001318782.1 and 1 more transcripts); short protein forms E42K.
Identifiers: ClinVar variation 2098249 (VCV002098249.4), dbSNP rs2533617370, ClinGen allele CA362731919.